The following is an entry in ClinVar:

NM_007294.4(BRCA1):c.4986+4A>C

Gene: BRCA1 (BRCA1 DNA repair associated; minus strand). Cytogenetic location: 17q21.31.
Variant type: single nucleotide variant.
Coding change: c.4986+4A>C on transcript NM_007294.4 (MANE Select); 4 bases into the intron after coding-DNA position 4986, A replaced by C.
Molecular consequence: intron variant.
Genome position (GRCh38, 1-based): chr17:43,070,924, T>G on the plus strand (A>C on the coding strand, the complement: BRCA1 is on the minus strand). VCF-style: chr17-43070924-T-G. GRCh37 (hg19) VCF-style: chr17-41222941-T-G.
Other names: IVS16+4A>C; c.1533+4A>C (NM_001408458.1, NM_001408461.1, NM_001408464.1 and 7 more transcripts); c.4095+4A>C (NM_001407967.1); c.4605+4A>C (NM_001407959.1); c.4719+4A>C (NM_001407931.1, NM_001407932.1, NM_001407928.1 and 4 more transcripts); c.4842+4A>C (NM_001407747.1, NM_001407745.1, NM_001407737.1 and 21 more transcripts); c.4602+4A>C (NM_001407962.1, NM_001407960.1); c.1173+4A>C (NM_001408512.1); and 72 more.
Identifiers: ClinVar variation 37619 (VCV000037619.27), dbSNP rs80358087, ClinGen allele CA003122.
Genomic context (GRCh38, chr17:43,070,924, plus strand): 5'-TAAAACTCTTTCCAGAATGTTGTTAAGTCTTAGTCATTAGGGAGATACATATGGATACAC[T>G]CACAAATTCTTCTGGGGTCAGGCCAGACACCACCATGGACATTCTTTTGTTGACCCTTTC-3'

ClinVar aggregate classification (germline): Pathogenic/Likely pathogenic. Review status: criteria provided, multiple submitters, no conflicts (2 of 4 stars). 10 submissions from 10 submitters: Pathogenic (4); Likely pathogenic (3). 3 of the submissions do not count toward it. Last evaluated 2024-08-04.

Conditions:
Hereditary cancer-predisposing syndrome. Also called: Tumor predisposition; Neoplastic Syndromes, Hereditary; Hereditary Cancer Syndrome; Hereditary neoplastic syndrome. Identifiers: Orphanet 140162, MedGen C0027672, MeSH D009386, MONDO:0015356.
Hereditary breast ovarian cancer syndrome. Also called: Hereditary breast and ovarian cancer syndrome (HBOC); Hereditary breast and ovarian cancer syndrome; Hereditary breast and ovarian cancer; Hereditary breast and/or ovarian cancer syndrome; Breast and ovarian cancer; BRCA1- and BRCA2-Associated Hereditary Breast and Ovarian Cancer. Identifiers: Orphanet 145, MedGen C0677776, MeSH D061325, MONDO:0003582. Disease mechanism: loss of function.
Breast-ovarian cancer, familial, susceptibility to, 1 (BROVCA1). Also called: OVARIAN CANCER, SUSCEPTIBILITY TO; BRCA1 Hereditary Breast and Ovarian Cancer. Identifiers: Orphanet 145, MedGen C2676676, MONDO:0011450, OMIM 604370. Disease mechanism: loss of function.

Submissions (11):

Labcorp Genetics (formerly Invitae), Labcorp
Classification: Pathogenic for Hereditary breast ovarian cancer syndrome. Last evaluated: 2024-08-04. Review status: criteria provided, single submitter. Criteria: Invitae Variant Classification Sherloc (09022015). Collection method: clinical testing. Allele origin: germline.
Comment: This sequence change falls in intron 15 of the BRCA1 gene. It does not directly change the encoded amino acid sequence of the BRCA1 protein. It affects a nucleotide within the consensus splice site. This variant is not present in population databases (gnomAD no frequency). This variant has been observed in individual(s) with breast and/or ovarian cancer (PMID: 25281711, 29446198). This variant is also known as IVS16+4A>C. ClinVar contains an entry for this variant (Variation ID: 37619). Variants that disrupt the consensus splice site are a relatively common cause of aberrant splicing (PMID: 17576681, 9536098). Studies have shown that this variant alters mRNA splicing and is expected to lead to the loss of protein expression (PMID: 30209399). This variant disrupts the 4986+4A nucleotide in the BRCA1 gene. Other variant(s) that disrupt this nucleotide have been determined to be pathogenic (PMID: 21203900, 23239986, 30209399). This suggests that this nucleotide is clinically significant, and that variants that disrupt this position are likely to be disease-causing. For these reasons, this variant has been classified as Pathogenic.

Quest Diagnostics Nichols Institute San Juan Capistrano
Classification: Likely pathogenic. Last evaluated: 2024-07-31. Review status: criteria provided, single submitter. Criteria: Quest Diagnostics criteria. Collection method: clinical testing. Allele origin: unknown.
Comment: The BRCA1 c.4986+4A>C variant has been reported in the published literature in a patient with serous ovarian cancer and associated with an abnormal immunohistochemistry result for BRCA1 (PMID: 21523855 (2011) and 25281711 (2014)). Additionally, functional evidence suggests that this variant may impact BRCA1 protein function (PMID: 30209399 (2018)). Two other variants affecting the same nucleotide, c.4986+4A>T and c.4986+4A>G, have been reported in individuals with breast and/or ovarian cancer, and shown experimentally to cause aberrant splicing (PMID: 21203900 (2011) and 23239986 (2012)). This variant has not been reported in large, multi-ethnic general populations (Genome Aggregation Database). Analysis of this variant using software algorithms for the prediction of the effect of nucleotide changes on splicing yielded predictions that this variant may affect proper BRCA1 mRNA splicing. Based on the available information, this variant is classified as likely pathogenic.

Ambry Genetics
Classification: Pathogenic for Hereditary cancer-predisposing syndrome. Last evaluated: 2021-06-25. Review status: criteria provided, single submitter. Criteria: Ambry Variant Classification Scheme 2023. Collection method: clinical testing. Allele origin: germline.
Comment: The c.4986+4A>C intronic pathogenic mutation results from an A to C substitution 4 nucleotides after coding exon 14 in the BRCA1 gene. This alteration has previously been detected in an individual diagnosed with ovarian cancer, and tumor analysis showed abnormal (loss) BRCA1 IHC results (Meisel JL et al, Ann. Oncol. 2014 Dec; 25(12):2372-8). This alteration has also been identified in a large, worldwide study of BRCA1/2 mutation positive families (Rebbeck TR et al. Hum Mutat, 2018 05;39:593-620). One functional study found that this nucleotide substitution is non-functional in a high-throughput, genome editing, haploid cell survival assay (Findlay GM et al. Nature, 2018 10;562:217-222). In silico splice site analysis predicts that this alteration will weaken the native splice donor site. RNA studies on this alteration and a different nucleotide change at that same position (c.4986+4A>G) resulted in an alternate transcript with insertion of 65 intronic nucleotides, resulting in a premature termination codon (Ambry internal data; Wappenschmidt B et al. PLoS ONE 2012; 7(12):e50800). In addition, a different nucleotide change at the same position (c.4986+4A>T) was reported as a pathogenic intronic splicing mutation in a cohort of 585 Slovak individuals with family histories of breast and ovarian cancer (Konecny M et al, Breast Cancer Res. Treat. 2011 Feb; 126(1):119-30). Of note, this alteration is also designated as IVS16+4A>C in published literature. Based on the supporting evidence, this alteration is interpreted as a disease-causing mutation.

Color Diagnostics, LLC DBA Color Health
Classification: Likely pathogenic for Hereditary cancer-predisposing syndrome. Last evaluated: 2020-02-06. Review status: criteria provided, single submitter. Criteria: ACMG Guidelines, 2015. Collection method: clinical testing. Allele origin: germline.
Comment: This variant causes an A>C nucleotide substitution at the +4 position of intron 15 of the BRCA1 gene. Splice site prediction tools predict that this variant may have a significant impact on RNA splicing. Another variant at this position results in the use of a cryptic donor at +65 bases as determined by RT-PCR of carrier RNA that is predicted to create a premature translation termination (PMID 23239986). This variant has been reported to be loss-of-function in a haploid cell proliferation assay (PMID: 30209399). This variant has been reported in an individual affected with ovarian cancer (PMID: 25281711) and individuals reported in breast and ovarian cancer databases, UMD and BIC (PMID: 21523855, 22144684). This variant has not been identified in the general population by the Genome Aggregation Database (gnomAD). Based on the available evidence, this variant is classified as Likely Pathogenic.

GeneDx
Classification: Likely pathogenic. Last evaluated: 2017-02-14. Review status: criteria provided, single submitter. Criteria: GeneDx Variant Classification (06012015). Collection method: clinical testing. Allele origin: germline. Affected: yes.
Comment: This variant is denoted BRCA1 c.4986+4A>C or IVS15+4A>C and consists of an A>C nucleotide substitution at the +4 position of intron 15 of the BRCA1 gene. Using alternate nomenclature, this variant would be defined as BRCA1 5105+4A>C or IVS16+4A>C. Multiple in silico models predict this variant to destroy the nearby natural donor site and to possibly cause abnormal gene splicing; however, in the absence of RNA or functional studies, the actual effect of this variant is unknown. This variant has been observed in the germline of at least one individual with high grade serous ovarian carcinoma (Meisel 2014). BRCA1 c.4986+4A>C was not observed in approximately 6,500 individuals of European and African American ancestry in the NHLBI Exome Sequencing Project, suggesting it is not a common benign variant in these populations. The adenine (A) nucleotide that is altered is conserved in mammals. Based on the currently available information, we consider BRCA1 c.4986+4A>C to be a likely pathogenic variant.

Women's Health and Genetics/Laboratory Corporation of America, LabCorp
Classification: Pathogenic for Hereditary breast ovarian cancer syndrome. Last evaluated: 2016-09-28. Review status: criteria provided, single submitter. Criteria: LabCorp Variant Classification Summary - May 2015. Collection method: clinical testing. Allele origin: germline.
Comment: Variant summary: The BRCA1 c.4986+4A>C variant involves the alteration of a highly conserved intronic nucleotide. Mutation Taster predicts a damaging outcome for this variant. 4/4 splice prediction tools predict a significant impact on normal splicing. This variant is absent in 121392 control chromosomes from ExAC. This variant is reported in at least four HBOC patients in literature and/or clinical databases. In one case, immunohistochemistry revealed a loss of BRCA1 protein, supporting that the variant has a functional effect on protein expression (Meisel_2014). Multiple clinical diagnostic laboratories/reputable databases have classified this variant as pathogenic. This intronic nucleotide position is clinically important as A>T change the same position is pathogenic. In addition, a nearby intronic variant, c.4986+6T>C, is a known pathogenic/likely pathogenic variant. Taken together, the variant of interest is classified as Pathogenic.

Consortium of Investigators of Modifiers of BRCA1/2 (CIMBA), c/o University of Cambridge
Classification: Pathogenic for Breast-ovarian cancer, familial, susceptibility to, 1. Last evaluated: 2015-10-02. Review status: criteria provided, single submitter. Criteria: CIMBA Mutation Classification guidelines May 2016. Collection method: clinical testing. Allele origin: germline.

Research Molecular Genetics Laboratory, Women's College Hospital, University of Toronto
Classification: Pathogenic for Hereditary breast ovarian cancer syndrome. Last evaluated: 2014-01-31. Review status: no assertion criteria provided. Collection method: research. Allele origin: germline. Affected: yes. Study: The Canadian Open Genetics Repository (COGR). Not counted in ClinVar's aggregate classification.

Sharing Clinical Reports Project (SCRP)
Classification: Pathogenic for Breast-ovarian cancer, familial 1. Last evaluated: 2013-03-19. Review status: no assertion criteria provided. Collection method: clinical testing. Allele origin: germline. Not counted in ClinVar's aggregate classification.

Breast Cancer Information Core (BIC) (BRCA1)
Classification: Pathogenic for Breast-ovarian cancer, familial 1. Last evaluated: 2004-02-20. Review status: no assertion criteria provided. Collection method: clinical testing. Allele origin: germline. Affected: yes. Observed: 3 variant alleles. Not counted in ClinVar's aggregate classification.

Brotman Baty Institute, University of Washington
No classification provided (evidence only). Condition: Breast-ovarian cancer, familial 1. Review status: no classification provided. Collection method: in vitro. Allele origin: not applicable. Functional consequence: functionally_abnormal. Not counted in ClinVar's aggregate classification.
ClinVar note: "not provided" was previously submitted as the classification for the variant. However, the classification appeared to be based only on an observation of functional data so it was converted to no classification on 2025-07-30.

Literature cited by the submitters: PubMed 25281711 (cited by 4 submitters); PubMed 29446198 (cited by Labcorp Genetics (formerly Invitae), Labcorp and Ambry Genetics); PubMed 17576681 (cited by Labcorp Genetics (formerly Invitae), Labcorp); PubMed 9536098 (cited by Labcorp Genetics (formerly Invitae), Labcorp); PubMed 30209399 (cited by 3 submitters); PubMed 21203900 (cited by Labcorp Genetics (formerly Invitae), Labcorp and Ambry Genetics); PubMed 23239986 (cited by Labcorp Genetics (formerly Invitae), Labcorp and Ambry Genetics); PubMed 16267036 (cited by Quest Diagnostics Nichols Institute San Juan Capistrano and Women's Health and Genetics/Laboratory Corporation of America, LabCorp); PubMed 21523855 (cited by Quest Diagnostics Nichols Institute San Juan Capistrano and Women's Health and Genetics/Laboratory Corporation of America, LabCorp); PubMed 10406662 (cited by Ambry Genetics); PubMed 16619214 (cited by Ambry Genetics); PubMed 18693280 (cited by Ambry Genetics); PubMed 22505045 (cited by Ambry Genetics); PubMed 23348723 (cited by Ambry Genetics).